The following is an entry in ClinVar:

ClinVar aggregate classification (germline): Uncertain significance (1 of 4 stars; one submission).

Conditions:
Dystonic disorder. Also called: Dystonia. Identifiers: MedGen C0013421, MONDO:0003441, HP:0001332.

Allele frequency attached by ClinVar (database versions not stated): gnomAD 0.00001; TOPMed 0.00001.

Submission:

Labcorp Genetics (formerly Invitae), Labcorp
Classification: Uncertain significance for Dystonic disorder. Last evaluated: 2022-11-04. Review status: criteria provided, single submitter. Criteria: Invitae Variant Classification Sherloc (09022015). Collection method: clinical testing. Allele origin: germline.
Comment: This sequence change replaces leucine, which is neutral and non-polar, with phenylalanine, which is neutral and non-polar, at codon 56 of the TOR1A protein (p.Leu56Phe). In summary, the available evidence is currently insufficient to determine the role of this variant in disease. Therefore, it has been classified as a Variant of Uncertain Significance. Advanced modeling of protein sequence and biophysical properties (such as structural, functional, and spatial information, amino acid conservation, physicochemical variation, residue mobility, and thermodynamic stability) performed at Invitae indicates that this missense variant is not expected to disrupt TOR1A protein function. This variant has not been reported in the literature in individuals affected with TOR1A-related conditions. This variant is present in population databases (no rsID available, gnomAD 0.008%).

NM_000113.3(TOR1A):c.166C>T (p.Leu56Phe)

Gene: TOR1A (torsin family 1 member A; minus strand). Cytogenetic location: 9q34.11.
Variant type: single nucleotide variant.
Coding change: c.166C>T on transcript NM_000113.3 (MANE Select); coding-DNA position 166, C replaced by T.
Protein change: p.Leu56Phe; replaces leucine 56 with phenylalanine.
Molecular consequence: missense variant.
Genome position (GRCh38, 1-based): chr9:129,823,920, G>A on the plus strand (C>T on the coding strand, the complement: TOR1A is on the minus strand). VCF-style: chr9-129823920-G-A. GRCh37 (hg19) VCF-style: chr9-132586199-G-A.
Other names: short protein forms L56F.
Identifiers: ClinVar variation 2693835 (VCV002693835.3), dbSNP rs764473382, ClinGen allele CA375177961.
Genomic context (GRCh38, chr9:129,823,920, plus strand): 5'-GCCCAGCCCCAGCCCCAGCCCCAGCCTCCAGCCCCCGCCCCAGCCTACCCTCCCGGCTAA[G>A]GCTCCGCTTCTGCCCGCAGCACTCGGCGAAGAGGCAGTAGAGACGCGGGTAGATGTAGCC-3'
Protein context (NP_000104.1, residues 46-66): FAECCGQKRS[Leu56Phe]SREALQKDLD